The following is an entry in ClinVar:

NM_015158.5(KANK1):c.3130C>T (p.Arg1044Trp)

Gene: KANK1 (KN motif and ankyrin repeat domains 1; plus strand). Cytogenetic location: 9p24.3.
Variant type: single nucleotide variant.
Coding change: c.3130C>T on transcript NM_015158.5 (MANE Select); coding-DNA position 3130, C replaced by T.
Protein change: p.Arg1044Trp; replaces arginine 1044 with tryptophan.
Molecular consequence: missense variant. On other transcripts: intron variant (5).
Genome position (GRCh38, 1-based): chr9:732,502, C>T. VCF-style: chr9-732502-C-T. GRCh37 (hg19) VCF-style: chr9-732502-C-T.
Other names: c.3130C>T, p.Arg1044Trp (NM_001256876.3, NM_001256877.3, NM_001354334.2); c.3076C>T, p.Arg1026Trp (NM_001354332.2); c.2656C>T, p.Arg886Trp (NM_001354333.2, NM_001354335.2, NM_001354337.2 and 2 more transcripts); c.2602C>T, p.Arg868Trp (NM_001354338.2, NM_001354340.2, NM_001354344.2); c.3005+1236C>T (NM_001354331.2); c.2477+1236C>T (NM_001354336.2); c.2531+1236C>T (NM_001354339.2, NM_001354343.2, NM_001354342.2); short protein forms R1044W, R868W, R1026W, R886W.
Identifiers: ClinVar variation 290390 (VCV000290390.16), dbSNP rs150840874, ClinGen allele CA4960787.

ClinVar aggregate classification (germline): Conflicting classifications of pathogenicity. Review status: criteria provided, conflicting classifications (1 of 4 stars). 4 submissions from 4 submitters: Uncertain significance (3); Likely benign (1). Last evaluated 2026-09-01.

Conditions:
Cerebral palsy, spastic quadriplegic, 2 (CPSQ2). Identifiers: Orphanet 210141, MedGen C2752061, MONDO:0013033, OMIM 612900.

Allele frequency attached by ClinVar (database versions not stated): ESP Exome Variant Server 0.00038; ExAC 0.00048; gnomAD exomes 0.00049 and 0.00077; 1000 Genomes Project 0.00060; 1000 Genomes Project 30x 0.00062; TOPMed 0.00073.
gnomAD v4.1: 1,219 of 1,614,004 alleles (0.076%); highest among the groups gnomAD compares: Admixed American, 0.12%; 2 homozygotes.

Submissions (4):

CeGaT Center for Human Genetics Tuebingen
Classification: Likely benign. Last evaluated: 2026-09-01. Review status: criteria provided, single submitter. Criteria: CeGaT Center For Human Genetics Tuebingen Variant Classification Criteria Version 2. Collection method: clinical testing. Allele origin: germline. Affected: yes. Observed: 3 variant alleles.
Comment: KANK1: BP4

Labcorp Genetics (formerly Invitae), Labcorp
Classification: Uncertain significance. Last evaluated: 2025-12-13. Review status: criteria provided, single submitter. Criteria: Invitae Variant Classification Sherloc (09022015). Collection method: clinical testing. Allele origin: germline.
Comment: This sequence change replaces arginine, which is basic and polar, with tryptophan, which is neutral and slightly polar, at codon 1044 of the KANK1 protein (p.Arg1044Trp). This variant is present in population databases (rs150840874, gnomAD 0.09%), and has an allele count higher than expected for a pathogenic variant. This variant has not been reported in the literature in individuals affected with KANK1-related conditions. ClinVar contains an entry for this variant (Variation ID: 290390). An algorithm developed to predict the effect of missense changes on protein structure and function (PolyPhen-2) suggests that this variant is likely to be tolerated. In summary, the available evidence is currently insufficient to determine the role of this variant in disease. Therefore, it has been classified as a Variant of Uncertain Significance.

Fulgent Genetics
Classification: Uncertain significance for Cerebral palsy, spastic quadriplegic, 2. Last evaluated: 2022-05-27. Review status: criteria provided, single submitter. Criteria: ACMG Guidelines, 2015. Collection method: clinical testing. Allele origin: unknown.

Eurofins Ntd Llc (ga)
Classification: Uncertain significance. Last evaluated: 2016-08-17. Review status: criteria provided, single submitter. Criteria: EGL Classification Definitions 2015. Collection method: clinical testing. Allele origin: germline. Observed: 1 variant allele, 1 heterozygote.